The following is an entry in ClinVar:

NM_000053.4(ATP7B):c.3011A>G (p.Gln1004Arg)

Gene: ATP7B (ATPase copper transporting beta; minus strand). Cytogenetic location: 13q14.3.
Variant type: single nucleotide variant.
Coding change: c.3011A>G on transcript NM_000053.4 (MANE Select); coding-DNA position 3011, A replaced by G.
Protein change: p.Gln1004Arg; replaces glutamine 1004 with arginine.
Molecular consequence: missense variant. On other transcripts: intron variant (6).
Genome position (GRCh38, 1-based): chr13:51,946,333, T>C on the plus strand (A>G on the coding strand, the complement: ATP7B is on the minus strand). VCF-style: chr13-51946333-T-C. GRCh37 (hg19) VCF-style: chr13-52520469-T-C.
Other names: c.2390A>G, p.Gln797Arg (NM_001005918.3); c.2678A>G, p.Gln893Arg (NM_001243182.2); c.2777A>G, p.Gln926Arg (NM_001330578.2, NM_001406527.1, NM_001406528.1 and 1 more transcripts); c.2759A>G, p.Gln920Arg (NM_001330579.2, NM_001406531.1, NM_001406532.1); c.3011A>G, p.Gln1004Arg (NM_001406511.1, NM_001406512.1, NM_001406513.1 and 2 more transcripts); c.2978A>G, p.Gln993Arg (NM_001406514.1); c.2957A>G, p.Gln986Arg (NM_001406515.1, NM_001406516.1); c.2915A>G, p.Gln972Arg (NM_001406517.1, NM_001406518.1); and 18 more; short protein forms Q1004R, Q574R, Q788R, Q797R, Q810R, Q842R, Q861R, Q888R.
Identifiers: ClinVar variation 3072807 (VCV003072807.3), dbSNP rs587783307, ClinGen allele CA388032008.

ClinVar aggregate classification (germline): Uncertain significance. Review status: criteria provided, multiple submitters, no conflicts (2 of 4 stars). 3 submissions from 3 submitters: Uncertain significance (3). Last evaluated 2024-04-12.

Conditions:
Wilson disease (WND). Also called: Wilson's disease. Identifiers: Orphanet 905, MedGen C0019202, MONDO:0010200, OMIM 277900. Disease mechanism: loss of function.

Allele frequency attached by ClinVar (database versions not stated): TOPMed below 0.00001; gnomAD 0.00001.
gnomAD v4.1: 2 of 1,608,012 alleles (0.00012%); highest among the groups gnomAD compares: Non-Finnish European, 0.000085%; no homozygotes.

Submissions (3):

Women's Health and Genetics/Laboratory Corporation of America, LabCorp
Classification: Uncertain significance. Last evaluated: 2024-04-12. Review status: criteria provided, single submitter. Criteria: LabCorp Variant Classification Summary - May 2015. Collection method: clinical testing. Allele origin: germline.
Comment: Variant summary: ATP7B c.3011A>G (p.Gln1004Arg) results in a conservative amino acid change in the encoded protein sequence. Three of five in-silico tools predict a damaging effect of the variant on protein function. The variant was absent in 238686 control chromosomes. The available data on variant occurrences in the general population are insufficient to allow any conclusion about variant significance. To our knowledge, no occurrence of c.3011A>G in individuals affected with Wilson Disease and no experimental evidence demonstrating its impact on protein function have been reported. No submitters have cited clinical-significance assessments for this variant to ClinVar. Based on the evidence outlined above, the variant was classified as uncertain significance.

All of Us Research Program, National Institutes of Health
Classification: Uncertain significance for Wilson disease. Last evaluated: 2023-08-15. Review status: criteria provided, single submitter. Criteria: ACMG Guidelines, 2015. Collection method: clinical testing. Allele origin: germline. Inheritance: Autosomal recessive inheritance. Observed: 1 variant allele, 1 heterozygote.
Comment: This missense variant replaces glutamine with arginine at codon 1004 of the ATP7B protein. Computational prediction is inconclusive regarding the impact of this variant on protein structure and function (internally defined REVEL score threshold 0.5 < inconclusive < 0.7, PMID: 27666373). To our knowledge, functional studies have not been reported for this variant. This variant has not been reported in individuals affected with ATP7B-related disorders in the literature. This variant has not been identified in the general population by the Genome Aggregation Database (gnomAD). The available evidence is insufficient to determine the role of this variant in disease conclusively. Therefore, this variant is classified as a Variant of Uncertain Significance.

This study involves interpretation of variants in research participants for the purpose of population health screening. Participant phenotype was not available at the time of variant classification. Additional details can be found in publication PMID: 35346344, PMCID: PMC8962531

Color Diagnostics, LLC DBA Color Health
Classification: Uncertain significance for Wilson disease. Last evaluated: 2023-07-21. Review status: criteria provided, single submitter. Criteria: ACMG Guidelines, 2015. Collection method: clinical testing. Allele origin: germline.
Comment: This missense variant replaces glutamine with arginine at codon 1004 of the ATP7B protein. Computational prediction is inconclusive regarding the impact of this variant on protein structure and function. To our knowledge, functional studies have not been reported for this variant. This variant has not been reported in individuals affected with ATP7B-related disorders in the literature. This variant has not been identified in the general population by the Genome Aggregation Database (gnomAD). The available evidence is insufficient to determine the role of this variant in disease conclusively. Therefore, this variant is classified as a Variant of Uncertain Significance.